The following is an entry in ClinVar:

ClinVar aggregate classification (germline): Uncertain significance (1 of 4 stars; one submission).

Submission:

Labcorp Genetics (formerly Invitae), Labcorp
Classification: Uncertain significance. Last evaluated: 2022-06-22. Review status: criteria provided, single submitter. Criteria: Invitae Variant Classification Sherloc (09022015). Collection method: clinical testing. Allele origin: germline.
Comment: This variant, c.660_661delinsTC, is a complex sequence change that results in the deletion of 2 and insertion of 2 amino acid(s) in the RBP3 protein (p.Arg220_Tyr221delinsSerHis). Information on the frequency of this variant in the gnomAD database is not available, as this variant may be reported differently in the database. This variant has not been reported in the literature in individuals affected with RBP3-related conditions. Experimental studies and prediction algorithms are not available or were not evaluated, and the functional significance of this variant is currently unknown. In summary, the available evidence is currently insufficient to determine the role of this variant in disease. Therefore, it has been classified as a Variant of Uncertain Significance.

NM_002900.3(RBP3):c.660_661delinsTC (p.Arg220_Tyr221delinsSerHis)

Gene: RBP3 (retinol binding protein 3; plus strand). Cytogenetic location: 10q11.22.
Variant type: Indel.
Coding change: c.660_661delinsTC on transcript NM_002900.3 (MANE Select); coding-DNA positions 660 to 661, GT replaced by TC.
Protein change: p.Arg220_Tyr221delinsSerHis.
Molecular consequence: missense variant.
Genome position (GRCh38, 1-based): chr10:47,349,144-47,349,145, GT replaced by TC. VCF-style: chr10-47349144-GT-TC. GRCh37 (hg19) VCF-style: chr10-48390217-AC-GA.
Identifiers: ClinVar variation 1408558 (VCV001408558.5), dbSNP rs2132252782, ClinGen allele CA2573145149.